The following is an entry in ClinVar:

ClinVar aggregate classification (germline): Uncertain significance (1 of 4 stars; one submission).

Conditions:
Hereditary cancer-predisposing syndrome. Also called: Tumor predisposition; Hereditary Cancer Syndrome; Hereditary neoplastic syndrome; Neoplastic Syndromes, Hereditary. Identifiers: Orphanet 140162, MedGen C0027672, MeSH D009386, MONDO:0015356.

Submission:

Ambry Genetics
Classification: Uncertain significance for Hereditary cancer-predisposing syndrome. Last evaluated: 2026-01-28. Review status: criteria provided, single submitter. Criteria: Ambry Variant Classification Scheme 2023. Collection method: clinical testing. Allele origin: germline.
Comment: The p.G323C variant (also known as c.967G>T), located in coding exon 8 of the SDHA gene, results from a G to T substitution at nucleotide position 967. The glycine at codon 323 is replaced by cysteine, an amino acid with highly dissimilar properties. This amino acid position is highly conserved in available vertebrate species. In addition, this alteration is predicted to be deleterious by in silico analysis. Based on the available evidence, the clinical significance of this variant remains unclear.

NM_004168.4(SDHA):c.967G>T (p.Gly323Cys)

Gene: SDHA (succinate dehydrogenase complex flavoprotein subunit A; plus strand). Cytogenetic location: 5p15.33.
Variant type: single nucleotide variant.
Coding change: c.967G>T on transcript NM_004168.4 (MANE Select); coding-DNA position 967, G replaced by T.
Protein change: p.Gly323Cys; replaces glycine 323 with cysteine.
Molecular consequence: missense variant.
Genome position (GRCh38, 1-based): chr5:233,548, G>T. VCF-style: chr5-233548-G-T. GRCh37 (hg19) VCF-style: chr5-233663-G-T.
Other names: c.823G>T, p.Gly275Cys (NM_001294332.2); c.967G>T, p.Gly323Cys (NM_001330758.2); short protein forms G275C, G323C.
Identifiers: ClinVar variation 1767777 (VCV001767777.3), dbSNP rs1553998991, ClinGen allele CA359012718.